The following is an entry in ClinVar:

NM_000059.4(BRCA2):c.4423A>G (p.Met1475Val)

Gene: BRCA2 (BRCA2 DNA repair associated; plus strand). Cytogenetic location: 13q13.1.
Variant type: single nucleotide variant.
Coding change: c.4423A>G on transcript NM_000059.4 (MANE Select); coding-DNA position 4423, A replaced by G.
Protein change: p.Met1475Val; replaces methionine 1475 with valine.
Molecular consequence: missense variant.
Genome position (GRCh38, 1-based): chr13:32,338,778, A>G. VCF-style: chr13-32338778-A-G. GRCh37 (hg19) VCF-style: chr13-32912915-A-G.
Other names: 4651A>G; short protein forms M1475V.
Identifiers: ClinVar variation 96807 (VCV000096807.13), dbSNP rs431825320, ClinGen allele CA020166.

ClinVar aggregate classification (germline): Conflicting classifications of pathogenicity. Review status: criteria provided, conflicting classifications (1 of 4 stars). 4 submissions from 4 submitters: Uncertain significance (2); Likely benign (1). 1 of the submissions does not count toward it. Last evaluated 2024-12-04.

Conditions:
Hereditary cancer-predisposing syndrome. Also called: Hereditary Cancer Syndrome; Neoplastic Syndromes, Hereditary; Hereditary neoplastic syndrome; Tumor predisposition. Identifiers: Orphanet 140162, MedGen C0027672, MeSH D009386, MONDO:0015356.
Hereditary breast ovarian cancer syndrome. Also called: Breast and ovarian cancer; Hereditary breast and/or ovarian cancer syndrome; Hereditary breast and ovarian cancer; Hereditary breast and ovarian cancer syndrome; Hereditary breast and ovarian cancer syndrome (HBOC); BRCA1- and BRCA2-Associated Hereditary Breast and Ovarian Cancer. Identifiers: Orphanet 145, MedGen C0677776, MeSH D061325, MONDO:0003582. Disease mechanism: loss of function.
Breast-ovarian cancer, familial, susceptibility to, 2 (BROVCA2). Also called: BRCA2 Hereditary Breast and Ovarian Cancer. Identifiers: Orphanet 145, MedGen C2675520, MONDO:0012933, OMIM 612555. Disease mechanism: loss of function.

Allele frequency attached by ClinVar (database versions not stated): gnomAD exomes below 0.00001.

Submissions (4):

Labcorp Genetics (formerly Invitae), Labcorp
Classification: Uncertain significance for Hereditary breast ovarian cancer syndrome. Last evaluated: 2024-12-04. Review status: criteria provided, single submitter. Criteria: Invitae Variant Classification Sherloc (09022015). Collection method: clinical testing. Allele origin: germline.
Comment: This sequence change replaces methionine, which is neutral and non-polar, with valine, which is neutral and non-polar, at codon 1475 of the BRCA2 protein (p.Met1475Val). This variant is present in population databases (rs431825320, gnomAD 0.006%). This variant has not been reported in the literature in individuals affected with BRCA2-related conditions. ClinVar contains an entry for this variant (Variation ID: 96807). Invitae Evidence Modeling of protein sequence and biophysical properties (such as structural, functional, and spatial information, amino acid conservation, physicochemical variation, residue mobility, and thermodynamic stability) indicates that this missense variant is not expected to disrupt BRCA2 protein function with a negative predictive value of 95%. In summary, the available evidence is currently insufficient to determine the role of this variant in disease. Therefore, it has been classified as a Variant of Uncertain Significance.

Ambry Genetics
Classification: Uncertain significance for Hereditary cancer-predisposing syndrome. Last evaluated: 2023-09-19. Review status: criteria provided, single submitter. Criteria: Ambry Variant Classification Scheme 2023. Collection method: clinical testing. Allele origin: germline.
Comment: The p.M1475V variant (also known as c.4423A>G), located in coding exon 10 of the BRCA2 gene, results from an A to G substitution at nucleotide position 4423. The methionine at codon 1475 is replaced by valine, an amino acid with highly similar properties. This variant was not reported in population based cohorts in the following databases: Database of Single Nucleotide Polymorphisms (dbSNP), NHLBI Exome Sequencing Project (ESP), and 1000 Genomes Project. In the ESP, this variant was not observed in 6498 samples (12996 alleles) with coverage at this position.To date, this alteration has been detected with an allele frequency of approximately 0.0003% (greater than 300000 alleles tested) in our clinical cohort. This amino acid position is poorly conserved in available vertebrate species. In addition, this alteration is predicted to be tolerated by in silico analysis. Since supporting evidence is limited at this time, the clinical significance of this alteration remains unclear.

University of Washington Department of Laboratory Medicine, University of Washington
Classification: Likely benign for Hereditary cancer-predisposing syndrome. Last evaluated: 2023-03-23. Review status: criteria provided, single submitter. Criteria: Dines et al. (Genet Med. 2020). Collection method: curation. Allele origin: germline.
Comment: Missense variant in a coldspot region where missense variants are very unlikely to be pathogenic (PMID:31911673).

BRCA2 exon 11 coldspot. Reclassification based on statistical prior probability.

Sharing Clinical Reports Project (SCRP)
Classification: Uncertain significance for Breast-ovarian cancer, familial 2. Last evaluated: 2012-05-01. Review status: no assertion criteria provided. Collection method: clinical testing. Allele origin: germline. Not counted in ClinVar's aggregate classification.